The following is an entry in ClinVar:

NM_000047.3(ARSL):c.164G>A (p.Cys55Tyr)

Gene: ARSL (arylsulfatase L; minus strand). Cytogenetic location: Xp22.33.
Variant type: single nucleotide variant.
Coding change: c.164G>A on transcript NM_000047.3 (MANE Select); coding-DNA position 164, G replaced by A.
Protein change: p.Cys55Tyr; replaces cysteine 55 with tyrosine.
Molecular consequence: missense variant. On other transcripts: intron variant (1).
Genome position (GRCh38, 1-based): chrX:2,958,295, C>T on the plus strand (G>A on the coding strand, the complement: ARSL is on the minus strand). VCF-style: chrX-2958295-C-T. GRCh37 (hg19) VCF-style: chrX-2876336-C-T.
Other names: c.239G>A, p.Cys80Tyr (NM_001282628.2, NM_001369080.1); c.191G>A, p.Cys64Tyr (NM_001369079.1); c.23+2083G>A (NM_001282631.2); short protein forms C55Y, C64Y, C80Y.
Identifiers: ClinVar variation 3601989 (VCV003601989.1).

ClinVar aggregate classification (germline): Uncertain significance (1 of 4 stars; one submission).

Conditions:
X-linked chondrodysplasia punctata 1 (CDPX1). Also called: CHONDRODYSPLASIA PUNCTATA, BRACHYTELEPHALANGIC; Chondrodysplasia punctata, X-linked recessive. Identifiers: Orphanet 79345, MedGen C3669395, MONDO:0010555, OMIM 302950.

gnomAD v4.1: 1 of 1,211,819 alleles (0.000083%); no homozygotes.

Submission:

MVZ Medizinische Genetik Mainz
Classification: Uncertain significance for X-linked chondrodysplasia punctata 1. Last evaluated: 2025-01-10. Review status: criteria provided, single submitter. Criteria: UK Practice Guidelines For Variant Classification V4 01 2020. Collection method: clinical testing. Allele origin: germline. Inheritance: X-linked dominant inheritance. Affected: yes. Observed: 1 variant allele.
Comment: ACMG Criteria: PP3_MOD,PM2_SUP